The following is an entry in ClinVar:

ClinVar aggregate classification (germline): Uncertain significance. Review status: criteria provided, multiple submitters, no conflicts (2 of 4 stars). 2 submissions from 2 submitters: Uncertain significance (2). Last evaluated 2025-11-06.

Conditions:
Cardiovascular phenotype. Identifiers: MedGen CN230736.
Long QT syndrome (LQTS). Identifiers: MedGen C0023976, MeSH D008133, MONDO:0002442. Disease mechanism: loss of function. Inheritance: Various modes of inheritance.

Allele frequency attached by ClinVar (database versions not stated): gnomAD 0.00001; TOPMed 0.00001.
gnomAD v4.1: 3 of 1,614,112 alleles (0.00019%); highest among the groups gnomAD compares: Non-Finnish European, 0.00025%; no homozygotes.

Submissions (2):

Ambry Genetics
Classification: Uncertain significance for Cardiovascular phenotype. Last evaluated: 2025-11-06. Review status: criteria provided, single submitter. Criteria: Ambry Variant Classification Scheme 2023. Collection method: clinical testing. Allele origin: germline.

Labcorp Genetics (formerly Invitae), Labcorp
Classification: Uncertain significance for Long QT syndrome. Last evaluated: 2024-04-15. Review status: criteria provided, single submitter. Criteria: Invitae Variant Classification Sherloc (09022015). Collection method: clinical testing. Allele origin: germline.
Comment: This sequence change replaces histidine, which is basic and polar, with asparagine, which is neutral and polar, at codon 3356 of the AKAP9 protein (p.His3356Asn). This variant is present in population databases (no rsID available, gnomAD 0.0009%). This variant has not been reported in the literature in individuals affected with AKAP9-related conditions. ClinVar contains an entry for this variant (Variation ID: 1783543). An algorithm developed to predict the effect of missense changes on protein structure and function (PolyPhen-2) suggests that this variant is likely to be disruptive. In summary, the available evidence is currently insufficient to determine the role of this variant in disease. Therefore, it has been classified as a Variant of Uncertain Significance.

NM_005751.5(AKAP9):c.10066C>A (p.His3356Asn)

Gene: AKAP9 (A-kinase anchoring protein 9; plus strand). Cytogenetic location: 7q21.2.
Variant type: single nucleotide variant.
Coding change: c.10066C>A on transcript NM_005751.5 (MANE Select); coding-DNA position 10066, C replaced by A.
Protein change: p.His3356Asn; replaces histidine 3356 with asparagine.
Molecular consequence: missense variant.
Genome position (GRCh38, 1-based): chr7:92,097,025, C>A. VCF-style: chr7-92097025-C-A. GRCh37 (hg19) VCF-style: chr7-91726339-C-A.
Other names: c.4711C>A, p.His1571Asn (NM_001379277.1); c.10042C>A, p.His3348Asn (NM_147185.3); short protein forms H3356N, H1571N, H3348N.
Identifiers: ClinVar variation 1783543 (VCV001783543.5), dbSNP rs1453382766, ClinGen allele CA368153197.
Genomic context (GRCh38, chr7:92,097,025, plus strand): 5'-CGGCCACCCTTGCCCTCAGAGGACCTACTGAAAGAGCTGCAGAAACAGCTAGAGGAAAAA[C>A]ACAGTCGCATAGTAGAATTGTTAAATGAGACTGAAAAATATAAACTGGATTCTTTGCAAA-3'
Protein context (NP_005742.4, residues 3346-3366): KELQKQLEEK[His3356Asn]SRIVELLNET